The following is an entry in ClinVar:

ClinVar aggregate classification (germline): Likely benign. Review status: criteria provided, multiple submitters, no conflicts (2 of 4 stars). 2 submissions from 2 submitters: Likely benign (2). Last evaluated 2026-05-29.

Conditions:
Gastrointestinal stromal tumor. Also called: Gastrointestinal stromal tumor, somatic; Gastrointestinal stroma tumor. Identifiers: Orphanet 44890, MedGen C0238198, MeSH D046152, MONDO:0011719, OMIM 606764, HP:0100723.

Allele frequency attached by ClinVar (database versions not stated): TOPMed below 0.00001.

Submissions (2):

Myriad Genetics, Inc.
Classification: Likely benign for Gastrointestinal stromal tumor. Last evaluated: 2026-05-29. Review status: criteria provided, single submitter. Criteria: Myriad Autosomal Dominant, Autosomal Recessive and X-Linked Classification Criteria (2023). Collection method: clinical testing. Allele origin: unknown.
Comment: This variant is considered likely benign. This variant is intronic and is not expected to impact mRNA splicing.

Labcorp Genetics (formerly Invitae), Labcorp
Classification: Likely benign for Gastrointestinal stromal tumor. Last evaluated: 2025-05-14. Review status: criteria provided, single submitter. Criteria: Invitae Variant Classification Sherloc (09022015). Collection method: clinical testing. Allele origin: germline.

NM_000222.3(KIT):c.1991-10G>C

Gene: KIT (KIT proto-oncogene, receptor tyrosine kinase; plus strand). Cytogenetic location: 4q12.
Variant type: single nucleotide variant.
Coding change: c.1991-10G>C on transcript NM_000222.3 (MANE Select); 10 bases into the intron before coding-DNA position 1991, G replaced by C.
Molecular consequence: intron variant.
Genome position (GRCh38, 1-based): chr4:54,729,325, G>C. VCF-style: chr4-54729325-G-C. GRCh37 (hg19) VCF-style: chr4-55595491-G-C.
Other names: c.1994-10G>C (NM_001385284.1, NM_001385290.1); c.1982-10G>C (NM_001385288.1, NM_001385292.1); c.1991-10G>C (NM_001385285.1); c.1979-10G>C (NM_001093772.2, NM_001385286.1).
Identifiers: ClinVar variation 799634 (VCV000799634.12), dbSNP rs1577997814, ClinGen allele CA915943034.